The following is an entry in ClinVar:

NM_021831.6(AGBL5):c.2036G>A (p.Gly679Asp)

Gene: AGBL5 (AGBL carboxypeptidase 5; plus strand). Cytogenetic location: 2p23.3.
Variant type: single nucleotide variant.
Coding change: c.2036G>A on transcript NM_021831.6 (MANE Select); coding-DNA position 2036, G replaced by A.
Protein change: p.Gly679Asp; replaces glycine 679 with aspartic acid.
Molecular consequence: missense variant. On other transcripts: non-coding transcript variant (2).
Genome position (GRCh38, 1-based): chr2:27,059,351, G>A. VCF-style: chr2-27059351-G-A. GRCh37 (hg19) VCF-style: chr2-27282219-G-A.
Other names: c.2036G>A, p.Gly679Asp (NM_001035506.1, NM_001035507.3); short protein forms G679D.
Identifiers: ClinVar variation 1957592 (VCV001957592.5), dbSNP rs2465498910, ClinGen allele CA346188413.

ClinVar aggregate classification (germline): Uncertain significance (1 of 4 stars; one submission).

Submission:

Labcorp Genetics (formerly Invitae), Labcorp
Classification: Uncertain significance. Last evaluated: 2022-02-17. Review status: criteria provided, single submitter. Criteria: Invitae Variant Classification Sherloc (09022015). Collection method: clinical testing. Allele origin: germline.
Comment: In summary, the available evidence is currently insufficient to determine the role of this variant in disease. Therefore, it has been classified as a Variant of Uncertain Significance. Algorithms developed to predict the effect of sequence changes on RNA splicing suggest that this variant is not likely to affect RNA splicing. Algorithms developed to predict the effect of missense changes on protein structure and function (SIFT, PolyPhen-2, Align-GVGD) all suggest that this variant is likely to be tolerated. This variant has not been reported in the literature in individuals affected with AGBL5-related conditions. This variant is not present in population databases (gnomAD no frequency). This sequence change replaces glycine, which is neutral and non-polar, with aspartic acid, which is acidic and polar, at codon 679 of the AGBL5 protein (p.Gly679Asp).